The following is an entry in ClinVar:

ClinVar aggregate classification (germline): Uncertain significance (1 of 4 stars; one submission).

Conditions:
Mucopolysaccharidosis, MPS-IV-A (MPS4A). Also called: Mucopolysaccharidosis type IV A; Mucopolysaccharidosis Type IVA; Morquio syndrome A, mild; MORQUIO SYNDROME A; MPS IVA; mucopolysaccharidosis type 4A. Identifiers: Orphanet 309297, Orphanet 582, MedGen C0086651, MONDO:0009659, OMIM 253000.

Submission:

Laboratory of Diagnosis and Therapy of Lysosomal Disorders, University of Padova
Classification: Uncertain significance for Mucopolysaccharidosis, MPS-IV-A. Last evaluated: 2021-02-01. Review status: criteria provided, single submitter. Criteria: ACMG Guidelines, 2015. Collection method: curation. Allele origin: germline. Affected: yes.
Comment: In vitro functional studies supportive of a damaging effect on the gene product (low in vitro enzymatic activity; PS3_supporting); absent from gnomAD v2.1.1 (PM2_moderate); multiple lines of computational evidence support a deleterious effect on the gene (PP3_supporting)

Literature cited by the submitters: PubMed 30980944; PubMed 7795586; PubMed 34387910.

NM_000512.5(GALNS):c.1038C>A (p.Phe346Leu)

Gene: GALNS (galactosamine (N-acetyl)-6-sulfatase; minus strand). Cytogenetic location: 16q24.3.
Variant type: single nucleotide variant.
Coding change: c.1038C>A on transcript NM_000512.5 (MANE Select); coding-DNA position 1038, C replaced by A.
Protein change: p.Phe346Leu; replaces phenylalanine 346 with leucine.
Molecular consequence: missense variant.
Genome position (GRCh38, 1-based): chr16:88,826,803, G>T on the plus strand (C>A on the coding strand, the complement: GALNS is on the minus strand). VCF-style: chr16-88826803-G-T. GRCh37 (hg19) VCF-style: chr16-88893211-G-T.
Other names: c.483C>A, p.Phe161Leu (NM_001323543.2); c.1056C>A, p.Phe352Leu (NM_001323544.2); short protein forms F161L, F346L, F352L.
Identifiers: ClinVar variation 1048441 (VCV001048441.3), dbSNP rs766504053, ClinGen allele CA397098536.